The following is an entry in ClinVar:

ClinVar aggregate classification (germline): Uncertain significance (1 of 4 stars; one submission).

Submission:

Labcorp Genetics (formerly Invitae), Labcorp
Classification: Uncertain significance. Last evaluated: 2023-07-31. Review status: criteria provided, single submitter. Criteria: Invitae Variant Classification Sherloc (09022015). Collection method: clinical testing. Allele origin: germline.
Comment: This variant is not present in population databases (gnomAD no frequency). This variant has not been reported in the literature in individuals affected with EPHA4-related conditions. Advanced modeling of protein sequence and biophysical properties (such as structural, functional, and spatial information, amino acid conservation, physicochemical variation, residue mobility, and thermodynamic stability) performed at Invitae indicates that this missense variant is not expected to disrupt EPHA4 protein function. In summary, the available evidence is currently insufficient to determine the role of this variant in disease. Therefore, it has been classified as a Variant of Uncertain Significance. This sequence change replaces phenylalanine, which is neutral and non-polar, with leucine, which is neutral and non-polar, at codon 932 of the EPHA4 protein (p.Phe932Leu).

NM_004438.5(EPHA4):c.2794T>C (p.Phe932Leu)

Gene: EPHA4 (EPH receptor A4; minus strand). Cytogenetic location: 2q36.1.
Variant type: single nucleotide variant.
Coding change: c.2794T>C on transcript NM_004438.5 (MANE Select); coding-DNA position 2794, T replaced by C.
Protein change: p.Phe932Leu; replaces phenylalanine 932 with leucine.
Molecular consequence: missense variant.
Genome position (GRCh38, 1-based): chr2:221,426,516, A>G on the plus strand (T>C on the coding strand, the complement: EPHA4 is on the minus strand). VCF-style: chr2-221426516-A-G. GRCh37 (hg19) VCF-style: chr2-222291236-A-G.
Other names: c.2794T>C, p.Phe932Leu (NM_001304536.2, NM_001363748.2); c.2641T>C, p.Phe881Leu (NM_001304537.2); short protein forms F932L, F881L.
Identifiers: ClinVar variation 2871079 (VCV002871079.3), dbSNP rs2469177434, ClinGen allele CA350406310.